The following is an entry in ClinVar:

ClinVar aggregate classification (germline): Uncertain significance (1 of 4 stars; one submission).

Conditions:
Familial acute necrotizing encephalopathy (IIAE3). Also called: ENCEPHALOPATHY, ACUTE, INFECTION-INDUCED, SUSCEPTIBILITY TO, 3; Susceptibility to Acute Necrotizing Encephalopathy 1. Identifiers: Orphanet 88619, MedGen C2675556, MONDO:0011953, OMIM 608033.

Allele frequency attached by ClinVar (database versions not stated): TOPMed below 0.00001; gnomAD 0.00001.

Submission:

Labcorp Genetics (formerly Invitae), Labcorp
Classification: Uncertain significance for Familial acute necrotizing encephalopathy. Last evaluated: 2021-01-04. Review status: criteria provided, single submitter. Criteria: Invitae Variant Classification Sherloc (09022015). Collection method: clinical testing. Allele origin: germline.
Comment: In summary, the available evidence is currently insufficient to determine the role of this variant in disease. Therefore, it has been classified as a Variant of Uncertain Significance. This sequence change replaces isoleucine with methionine at codon 169 of the RANBP2 protein (p.Ile169Met). The isoleucine residue is highly conserved and there is a small physicochemical difference between isoleucine and methionine. This variant is not present in population databases (ExAC no frequency). This variant has not been reported in the literature in individuals with RANBP2-related conditions. Algorithms developed to predict the effect of missense changes on protein structure and function are either unavailable or do not agree on the potential impact of this missense change (SIFT: "Deleterious"; PolyPhen-2: "Benign"; Align-GVGD: "Class C0").

NM_006267.5(RANBP2):c.507C>G (p.Ile169Met)

Gene: RANBP2 (RAN binding protein 2; plus strand). Cytogenetic location: 2q13.
Variant type: single nucleotide variant.
Coding change: c.507C>G on transcript NM_006267.5 (MANE Select); coding-DNA position 507, C replaced by G.
Protein change: p.Ile169Met; replaces isoleucine 169 with methionine.
Molecular consequence: missense variant.
Genome position (GRCh38, 1-based): chr2:108,735,633, C>G. VCF-style: chr2-108735633-C-G. GRCh37 (hg19) VCF-style: chr2-109352089-C-G.
Other names: short protein forms I169M.
Identifiers: ClinVar variation 968832 (VCV000968832.7), dbSNP rs1443220796, ClinGen allele CA348040207.